The following is an entry in ClinVar:

ClinVar aggregate classification (germline): Uncertain significance (1 of 4 stars; one submission).

Conditions:
Familial adenomatous polyposis 1 (FAP1). Also called: POLYPOSIS, ADENOMATOUS INTESTINAL; FAMILIAL ADENOMATOUS POLYPOSIS 1, ATTENUATED. Identifiers: MedGen C2713442, MONDO:0021056, OMIM 175100. Disease mechanism: loss of function.

Submission:

Labcorp Genetics (formerly Invitae), Labcorp
Classification: Uncertain significance for Familial adenomatous polyposis 1. Last evaluated: 2022-04-21. Review status: criteria provided, single submitter. Criteria: Invitae Variant Classification Sherloc (09022015). Collection method: clinical testing. Allele origin: germline.
Comment: This sequence change replaces glutamine, which is neutral and polar, with arginine, which is basic and polar, at codon 1065 of the APC protein (p.Gln1065Arg). This variant is not present in population databases (gnomAD no frequency). This variant has not been reported in the literature in individuals affected with APC-related conditions. Algorithms developed to predict the effect of missense changes on protein structure and function (SIFT, PolyPhen-2, Align-GVGD) all suggest that this variant is likely to be tolerated. In summary, the available evidence is currently insufficient to determine the role of this variant in disease. Therefore, it has been classified as a Variant of Uncertain Significance.

NM_000038.6(APC):c.3194A>G (p.Gln1065Arg)

Gene: APC (APC regulator of Wnt signaling pathway; plus strand). Cytogenetic location: 5q22.2.
Variant type: single nucleotide variant.
Coding change: c.3194A>G on transcript NM_000038.6 (MANE Select); coding-DNA position 3194, A replaced by G.
Protein change: p.Gln1065Arg; replaces glutamine 1065 with arginine.
Molecular consequence: missense variant.
Genome position (GRCh38, 1-based): chr5:112,838,788, A>G. VCF-style: chr5-112838788-A-G. GRCh37 (hg19) VCF-style: chr5-112174485-A-G.
Other names: c.3194A>G, p.Gln1065Arg (NM_001127510.3, NM_001354895.2, NM_001407450.1); c.3140A>G, p.Gln1047Arg (NM_001127511.3); c.3248A>G, p.Gln1083Arg (NM_001354896.2, NM_001407447.1, NM_001407448.1 and 1 more transcripts); c.3224A>G, p.Gln1075Arg (NM_001354897.2); c.3119A>G, p.Gln1040Arg (NM_001354898.2); c.3110A>G, p.Gln1037Arg (NM_001354899.2); c.3071A>G, p.Gln1024Arg (NM_001354900.2); c.3017A>G, p.Gln1006Arg (NM_001354901.2, NM_001407453.1); and 11 more; short protein forms Q1058R, Q1065R, Q1083R, Q905R, Q939R, Q974R, Q1006R, Q1055R.
Identifiers: ClinVar variation 2128757 (VCV002128757.4), dbSNP rs2149886504, ClinGen allele CA16028340.